The following is an entry in ClinVar:

NM_004985.5(KRAS):c.26T>C (p.Val9Ala)

Gene: KRAS (KRAS proto-oncogene, GTPase; minus strand). Cytogenetic location: 12p12.1.
Variant type: single nucleotide variant.
Coding change: c.26T>C on transcript NM_004985.5 (MANE Select); coding-DNA position 26, T replaced by C.
Protein change: p.Val9Ala; replaces valine 9 with alanine.
Molecular consequence: missense variant.
Genome position (GRCh38, 1-based): chr12:25,245,359, A>G on the plus strand (T>C on the coding strand, the complement: KRAS is on the minus strand). VCF-style: chr12-25245359-A-G. GRCh37 (hg19) VCF-style: chr12-25398293-A-G.
Other names: c.26T>C, p.Val9Ala (NM_001369786.1, NM_001369787.1, NM_033360.4); short protein forms V9A.
Identifiers: ClinVar variation 4094595 (VCV004094595.1).

ClinVar aggregate classification (germline): Uncertain significance (1 of 4 stars; one submission).

Conditions:
Cardiovascular phenotype. Identifiers: MedGen CN230736.

Submission:

Ambry Genetics
Classification: Uncertain significance for Cardiovascular phenotype. Last evaluated: 2025-07-18. Review status: criteria provided, single submitter. Criteria: Ambry Variant Classification Scheme 2023. Collection method: clinical testing. Allele origin: germline.
Comment: The p.V9A variant (also known as c.26T>C), located in coding exon 1 of the KRAS gene, results from a T to C substitution at nucleotide position 26. The valine at codon 9 is replaced by alanine, an amino acid with similar properties. This amino acid position is conserved. In addition, this alteration is predicted to be deleterious by in silico analysis. Based on the available evidence, the clinical significance of this variant remains unclear.